The following is an entry in ClinVar:

NM_001162501.2(TNRC6B):c.3611G>A (p.Ser1204Asn)

Gene: TNRC6B (trinucleotide repeat containing adaptor 6B; plus strand). Cytogenetic location: 22q13.1.
Variant type: single nucleotide variant.
Coding change: c.3611G>A on transcript NM_001162501.2 (MANE Select); coding-DNA position 3611, G replaced by A.
Protein change: p.Ser1204Asn; replaces serine 1204 with asparagine.
Molecular consequence: missense variant.
Genome position (GRCh38, 1-based): chr22:40,285,673, G>A. VCF-style: chr22-40285673-G-A. GRCh37 (hg19) VCF-style: chr22-40681677-G-A.
Other names: c.1199G>A, p.Ser400Asn (NM_001024843.2); c.3281G>A, p.Ser1094Asn (NM_015088.3); short protein forms S1094N, S1204N, S400N.
Identifiers: ClinVar variation 1328536 (VCV001328536.4), dbSNP rs2146528263, ClinGen allele CA411654275.
Genomic context (GRCh38, chr22:40,285,673, plus strand): 5'-AAAAAGCCTTACTGCTGCTTTTCTGTTTACAGGGCGGTAGTCATGGTTTGTTTGGAAACA[G>A]CACAGCACAATCGAGAGGTCTGCACACACCCGTGCAGCCACTAAATTCTTCTCCCAGTCT-3'
Protein context (NP_001155973.1, residues 1194-1214): QGGSHGLFGN[Ser1204Asn]TAQSRGLHTP

ClinVar aggregate classification (germline): Uncertain significance (1 of 4 stars; one submission).

Conditions:
TNRC6B-related complex neurodevelopmental disorder.

Submission:

Illumina Laboratory Services, Illumina
Classification: Uncertain significance for TNRC6B-related complex neurodevelopmental disorder. Last evaluated: 2021-06-14. Review status: criteria provided, single submitter. Criteria: ICSLVariantClassificationCriteria RUGD 01 April 2020. Collection method: clinical testing. Allele origin: unknown.
Comment: The TNRC6B c.3611G>A (p.Ser1204Asn) variant is a missense variant. A literature search was performed for the gene, cDNA change, and amino acid change. No publications were found based on this search. This variant is not found in the Genome Aggregation Database version 2.1.1 or version 3.1.1, and is in a region of good sequence coverage, so the variant is presumed to be rare. Based on the limited evidence, the p.Ser1204Asn variant is classified as a variant of uncertain significance for TNRC6B-related complex neurodevelopmental disorder.